The following is an entry in ClinVar:

ClinVar aggregate classification (germline): Uncertain significance (1 of 4 stars; one submission).

Conditions:
Intellectual developmental disorder with severe speech and ambulation defects. Identifiers: MedGen C5193115, MONDO:0032770, OMIM 618470.

Submission:

Neuberg Centre For Genomic Medicine, NCGM
Classification: Uncertain significance for Intellectual developmental disorder with severe speech and ambulation defects. Review status: criteria provided, single submitter. Criteria: ACMG Guidelines, 2015. Collection method: clinical testing. Allele origin: germline. Inheritance: Autosomal dominant inheritance. Affected: yes.
Comment: The missense variant in c.112C>G (p.Pro38Ala) in ACTL6B gene has not been reported previously as a pathogenic variant nor as a benign variant, to our knowledge. The p.Pro38Ala variant is novel (not in any individuals) in gnomAD Exomes and 1000 Genomes. This variant has not been reported to the ClinVar database.The amino acid Pro at position 38 is changed to a Ala changing protein sequence and it might alter its composition and physico-chemical properties. The amino acid change p.Pro164Ser in TELO2 is predicted as conserved by GERP++ and PhyloP across 100 vertebrates. For these reasons, this variant has been classified as Uncertain Significance (VUS)

NM_016188.5(ACTL6B):c.112C>G (p.Pro38Ala)

Gene: ACTL6B (actin like 6B; minus strand). Cytogenetic location: 7q22.1.
Variant type: single nucleotide variant.
Coding change: c.112C>G on transcript NM_016188.5 (MANE Select); coding-DNA position 112, C replaced by G.
Protein change: p.Pro38Ala; replaces proline 38 with alanine.
Molecular consequence: missense variant. On other transcripts: non-coding transcript variant (1).
Genome position (GRCh38, 1-based): chr7:100,655,577, G>C on the plus strand (C>G on the coding strand, the complement: ACTL6B is on the minus strand). VCF-style: chr7-100655577-G-C. GRCh37 (hg19) VCF-style: chr7-100253200-G-C.
Other names: short protein forms P38A.
Identifiers: ClinVar variation 2585503 (VCV002585503.1), dbSNP rs773418354, ClinGen allele CA368549691.